The following is an entry in ClinVar:

NM_014679.5(CEP57):c.215C>T (p.Ala72Val)

Gene: CEP57 (centrosomal protein 57; plus strand). Cytogenetic location: 11q21.
Variant type: single nucleotide variant.
Coding change: c.215C>T on transcript NM_014679.5 (MANE Select); coding-DNA position 215, C replaced by T.
Protein change: p.Ala72Val; replaces alanine 72 with valine.
Molecular consequence: missense variant.
Genome position (GRCh38, 1-based): chr11:95,812,944, C>T. VCF-style: chr11-95812944-C-T. GRCh37 (hg19) VCF-style: chr11-95546108-C-T.
Other names: c.188C>T, p.Ala63Val (NM_001243776.2); c.215C>T, p.Ala72Val (NM_001243777.2); c.134C>T, p.Ala45Val (NM_001363604.2); short protein forms A45V, A63V, A72V.
Identifiers: ClinVar variation 2125822 (VCV002125822.4), dbSNP rs1862131689, ClinGen allele CA382419895.

ClinVar aggregate classification (germline): Uncertain significance (1 of 4 stars; one submission).

Conditions:
Mosaic variegated aneuploidy syndrome 2 (MVA2). Identifiers: Orphanet 1052, MedGen C3279843, MONDO:0013582, OMIM 614114.

Allele frequency attached by ClinVar (database versions not stated): gnomAD exomes below 0.00001; TOPMed below 0.00001.
gnomAD v4.1: 2 of 1,613,874 alleles (0.00012%); highest among the groups gnomAD compares: Non-Finnish European, 0.00017%; no homozygotes.

Submission:

Labcorp Genetics (formerly Invitae), Labcorp
Classification: Uncertain significance for Mosaic variegated aneuploidy syndrome 2. Last evaluated: 2022-06-17. Review status: criteria provided, single submitter. Criteria: Invitae Variant Classification Sherloc (09022015). Collection method: clinical testing. Allele origin: germline.
Comment: This sequence change replaces alanine, which is neutral and non-polar, with valine, which is neutral and non-polar, at codon 72 of the CEP57 protein (p.Ala72Val). This variant is not present in population databases (gnomAD no frequency). In summary, the available evidence is currently insufficient to determine the role of this variant in disease. Therefore, it has been classified as a Variant of Uncertain Significance. Algorithms developed to predict the effect of sequence changes on RNA splicing suggest that this variant may create or strengthen a splice site. Algorithms developed to predict the effect of missense changes on protein structure and function are either unavailable or do not agree on the potential impact of this missense change (SIFT: "Deleterious"; PolyPhen-2: "Benign"; Align-GVGD: "Class C55"). This variant has not been reported in the literature in individuals affected with CEP57-related conditions.